The following is an entry in ClinVar:

NM_000059.4(BRCA2):c.4126G>T (p.Gly1376Ter)

Gene: BRCA2 (BRCA2 DNA repair associated; plus strand). Cytogenetic location: 13q13.1.
Variant type: single nucleotide variant.
Coding change: c.4126G>T on transcript NM_000059.4 (MANE Select); coding-DNA position 4126, G replaced by T.
Protein change: p.Gly1376Ter; replaces glycine 1376 with a stop codon.
Molecular consequence: nonsense.
Genome position (GRCh38, 1-based): chr13:32,338,481, G>T. VCF-style: chr13-32338481-G-T. GRCh37 (hg19) VCF-style: chr13-32912618-G-T.
Other names: c.4126G>T (NM_000059.3); short protein forms G1376*.
Identifiers: ClinVar variation 1452414 (VCV001452414.8), dbSNP rs2137503142, ClinGen allele CA387779355.
Genomic context (GRCh38, chr13:32,338,481, plus strand): 5'-TTGCTATTTACTGATCAGCACAACATATGTCTTAAATTATCTGGCCAGTTTATGAAGGAG[G>T]GAAACACTCAGATTAAAGAAGATTTGTCAGATTTAACTTTTTTGGAAGTTGCGAAAGCTC-3'

ClinVar aggregate classification (germline): Pathogenic. Review status: criteria provided, multiple submitters, no conflicts (2 of 4 stars). 2 submissions from 2 submitters: Pathogenic (2). Last evaluated 2024-10-07.

Conditions:
Hereditary cancer-predisposing syndrome. Also called: Tumor predisposition; Neoplastic Syndromes, Hereditary; Hereditary Cancer Syndrome; Hereditary neoplastic syndrome. Identifiers: Orphanet 140162, MedGen C0027672, MeSH D009386, MONDO:0015356.
Hereditary breast ovarian cancer syndrome. Also called: Hereditary breast and ovarian cancer; Hereditary breast and ovarian cancer syndrome (HBOC); Breast and ovarian cancer; Hereditary breast and ovarian cancer syndrome; Hereditary breast and/or ovarian cancer syndrome; BRCA1- and BRCA2-Associated Hereditary Breast and Ovarian Cancer. Identifiers: Orphanet 145, MedGen C0677776, MeSH D061325, MONDO:0003582. Disease mechanism: loss of function.

Submissions (2):

Labcorp Genetics (formerly Invitae), Labcorp
Classification: Pathogenic for Hereditary breast ovarian cancer syndrome. Last evaluated: 2024-10-07. Review status: criteria provided, single submitter. Criteria: Invitae Variant Classification Sherloc (09022015). Collection method: clinical testing. Allele origin: germline.
Comment: This sequence change creates a premature translational stop signal (p.Gly1376*) in the BRCA2 gene. It is expected to result in an absent or disrupted protein product. Loss-of-function variants in BRCA2 are known to be pathogenic (PMID: 20104584). This variant is not present in population databases (gnomAD no frequency). This premature translational stop signal has been observed in individual(s) with ovarian cancer (PMID: 31815095). ClinVar contains an entry for this variant (Variation ID: 1452414). For these reasons, this variant has been classified as Pathogenic.

Ambry Genetics
Classification: Pathogenic for Hereditary cancer-predisposing syndrome. Last evaluated: 2023-08-03. Review status: criteria provided, single submitter. Criteria: Ambry Variant Classification Scheme 2023. Collection method: clinical testing. Allele origin: germline.
Comment: The p.G1376* pathogenic mutation (also known as c.4126G>T), located in coding exon 10 of the BRCA2 gene, results from a G to T substitution at nucleotide position 4126. This changes the amino acid from a glycine to a stop codon within coding exon 10. This alteration was identified in an individual diagnosed with ovarian cancer (Manchana T et al. World J Clin Oncol, 2019 Nov;10:358-368). This variant is considered to be rare based on population cohorts in the Genome Aggregation Database (gnomAD). In addition to the clinical data presented in the literature, this alteration is expected to result in loss of function by premature protein truncation or nonsense-mediated mRNA decay. As such, this alteration is interpreted as a disease-causing mutation.

Literature cited by the submitters: PubMed 20104584 (cited by Labcorp Genetics (formerly Invitae), Labcorp); PubMed 31815095 (cited by Labcorp Genetics (formerly Invitae), Labcorp and Ambry Genetics).